The following is an entry in ClinVar:

NM_006015.6(ARID1A):c.4993+3A>C

Gene: ARID1A (AT-rich interaction domain 1A; plus strand). Cytogenetic location: 1p36.11.
Variant type: single nucleotide variant.
Coding change: c.4993+3A>C on transcript NM_006015.6 (MANE Select); 3 bases into the intron after coding-DNA position 4993, A replaced by C.
Molecular consequence: intron variant.
Genome position (GRCh38, 1-based): chr1:26,775,223, A>C. VCF-style: chr1-26775223-A-C. GRCh37 (hg19) VCF-style: chr1-27101714-A-C.
Other names: c.4342+3A>C (NM_139135.4).
Identifiers: ClinVar variation 4999617 (VCV004999617.1).

ClinVar aggregate classification (germline): Uncertain significance (1 of 4 stars; one submission).

Conditions:
ARID1A-related disorder. Also called: ARID1A-related condition.

Submission:

PreventionGenetics, part of Exact Sciences
Classification: Uncertain significance for ARID1A-related condition. Last evaluated: 2025-04-25. Review status: criteria provided, single submitter. Criteria: ACMG Guidelines, 2015. Collection method: clinical testing. Allele origin: germline.
Comment: The ARID1A c.4993+3A>C variant is predicted to interfere with splicing. To our knowledge, this variant has not been reported in the literature or in a large population database (gnomAD), indicating this variant is rare. An alternate nucleotide change at the same genomic position (c.4993+3A>G) has been reported as a de novo variant in an individual with agenesis of the corpus callosum (Supplementary Table 1, Gabriel. 2022. PubMed ID: 34958143). This variant is predicted to alter splicing based on available splicing prediction programs (SpliceAI, Jaganathan et al. 2019. PubMed ID: 30661751). However, the use of computer prediction programs is not equivalent to functional evidence. Although we suspect that this variant may be pathogenic, at this time, the clinical significance of this variant is uncertain due to the absence of conclusive functional and genetic evidence.